The following is an entry in ClinVar:

ClinVar aggregate classification (germline): Pathogenic/Likely pathogenic. Review status: criteria provided, multiple submitters, no conflicts (2 of 4 stars). 3 submissions from 3 submitters: Pathogenic (1); Likely pathogenic (2). Last evaluated 2025-06-16.

Conditions:
Mitochondrial DNA depletion syndrome 6 (hepatocerebral type). Also called: Mitochondrial DNA depletion syndrome type 6; Navajo neurohepatopathy; NAVAJO NEUROPATHY. Identifiers: Orphanet 255229, MedGen C1850406, MONDO:0009747, OMIM 256810.
Charcot-Marie-Tooth disease, axonal, type 2EE. Also called: CHARCOT-MARIE-TOOTH NEUROPATHY, TYPE 2EE. Identifiers: MedGen C5193076, MONDO:0032728, OMIM 618400.
Mitochondrial DNA depletion syndrome, hepatocerebral form. Identifiers: Orphanet 254871, MedGen C3711385, MONDO:0100512.

Allele frequency attached by ClinVar (database versions not stated): TOPMed below 0.00001.
gnomAD v4.1: 2 of 1,613,908 alleles (0.00012%); highest among the groups gnomAD compares: African/African-American, 0.0013%; no homozygotes.

Submissions (3):

Natera, Inc.
Classification: Likely pathogenic for Mitochondrial DNA depletion syndrome, hepatocerebral form. Last evaluated: 2025-06-16. Review status: criteria provided, single submitter. Criteria: Natera Variant Classification Schema (03/2026). Collection method: clinical testing. Allele origin: germline.
Comment: The c.405C>G variant in MPV17 is a nonsense variant predicted to introduce a stop codon at amino acid 135. This variant is expected to result in nonsense mediated decay, truncation, or a dysfunctional protein product. This variant is rare in the general population with a frequency below the threshold expected for the associated phenotype(s). Given the available evidence, this variant is classified as Likely Pathogenic.

Labcorp Genetics (formerly Invitae), Labcorp
Classification: Pathogenic. Last evaluated: 2023-11-13. Review status: criteria provided, single submitter. Criteria: Invitae Variant Classification Sherloc (09022015). Collection method: clinical testing. Allele origin: germline.
Comment: This sequence change creates a premature translational stop signal (p.Tyr135*) in the MPV17 gene. It is expected to result in an absent or disrupted protein product. Loss-of-function variants in MPV17 are known to be pathogenic (PMID: 23714749). This variant is present in population databases (no rsID available, gnomAD 0.007%). This variant has not been reported in the literature in individuals affected with MPV17-related conditions. ClinVar contains an entry for this variant (Variation ID: 1339934). Algorithms developed to predict the effect of sequence changes on RNA splicing suggest that this variant may disrupt the consensus splice site. For these reasons, this variant has been classified as Pathogenic.

Athena Diagnostics
Classification: Likely pathogenic. Last evaluated: 2021-09-08. Review status: criteria provided, single submitter. Criteria: Athena Diagnostics Criteria. Collection method: clinical testing. Allele origin: unknown.
Comment: This variant is expected to result in the loss of a functional protein. The frequency of this variant in the general population is consistent with pathogenicity.

Literature cited by the submitters: PubMed 23714749 (cited by Labcorp Genetics (formerly Invitae), Labcorp).

NM_002437.5(MPV17):c.405C>G (p.Tyr135Ter)

Gene: MPV17 (mitochondrial inner membrane protein MPV17; minus strand). Cytogenetic location: 2p23.3.
Variant type: single nucleotide variant.
Coding change: c.405C>G on transcript NM_002437.5 (MANE Select); coding-DNA position 405, C replaced by G.
Protein change: p.Tyr135Ter; replaces tyrosine 135 with a stop codon.
Molecular consequence: nonsense.
Genome position (GRCh38, 1-based): chr2:27,312,217, G>C on the plus strand (C>G on the coding strand, the complement: MPV17 is on the minus strand). VCF-style: chr2-27312217-G-C. GRCh37 (hg19) VCF-style: chr2-27535085-G-C.
Other names: short protein forms Y135*.
Identifiers: ClinVar variation 1339934 (VCV001339934.10), dbSNP rs774833271, ClinGen allele CA346207433.